The following is an entry in ClinVar:

ClinVar aggregate classification (germline): Pathogenic. Review status: criteria provided, multiple submitters, no conflicts (2 of 4 stars). 9 submissions from 9 submitters: Pathogenic (9). Last evaluated 2026-10-03.

Conditions:
Hereditary cancer-predisposing syndrome. Also called: Hereditary neoplastic syndrome; Tumor predisposition; Hereditary Cancer Syndrome; Neoplastic Syndromes, Hereditary. Identifiers: Orphanet 140162, MedGen C0027672, MeSH D009386, MONDO:0015356.
Hereditary breast ovarian cancer syndrome. Also called: Breast and ovarian cancer; Hereditary breast and ovarian cancer; BRCA1- and BRCA2-Associated Hereditary Breast and Ovarian Cancer; Hereditary breast and ovarian cancer syndrome (HBOC); Hereditary breast and/or ovarian cancer syndrome; Hereditary breast and ovarian cancer syndrome. Identifiers: Orphanet 145, MedGen C0677776, MeSH D061325, MONDO:0003582. Disease mechanism: loss of function.
Breast-ovarian cancer, familial, susceptibility to, 1 (BROVCA1). Also called: BRCA1 Hereditary Breast and Ovarian Cancer; OVARIAN CANCER, SUSCEPTIBILITY TO. Identifiers: Orphanet 145, MedGen C2676676, MONDO:0011450, OMIM 604370. Disease mechanism: loss of function.

Submissions (10):

Environment, Water and Renewable Energy Research and Technology Center, Scientific Reserach Commission
Classification: Pathogenic for Breast-ovarian cancer, familial, susceptibility to, 1. Last evaluated: 2026-10-03. Review status: criteria provided, single submitter. Criteria: ACMG Guidelines, 2015. Collection method: research. Allele origin: germline. Inheritance: Autosomal dominant inheritance. Affected: yes. Observed: 14 variant alleles, 14 heterozygotes. Clinical features observed: Breast carcinoma (HP:0003002).
Comment: This canonical splice acceptor variant (c.81-1G>C) in intron 2 of BRCA1 is predicted to disrupt normal mRNA splicing, resulting in loss of function, an established disease mechanism for BRCA1. It was identified in the heterozygous state by whole exome sequencing in 14 Iraqi female patients with breast cancer. The variant is rare in population databases and has been previously classified as pathogenic by multiple submitters in ClinVar (VCV000055715.23).

Genomic Research Center, Shahid Beheshti University of Medical Sciences
Classification: Pathogenic for Breast-ovarian cancer, familial, susceptibility to, 1. Last evaluated: 2025-11-10. Review status: criteria provided, single submitter. Criteria: ACMG Guidelines, 2015. Collection method: clinical testing. Allele origin: germline. Affected: yes. Observed: 1 heterozygote.
Comment: This very rare splicing variant was detected and found to segregate with disease in several affected members of a family with breast cancer. It was absent from population genetic databases, including gnomAD, GenomeAsia, and Iranome.

Dasa
Classification: Pathogenic for Breast-ovarian cancer, familial, susceptibility to, 1. Last evaluated: 2025-06-29. Review status: criteria provided, single submitter. Criteria: DASA Assertion Criteria. Collection method: clinical testing. Allele origin: germline.
Comment: NM_007294.4(BRCA1):c.81-1G>C introduces a premature termination codon predicted to result in loss of normal protein function. Loss-of-function is an established mechanism of disease for this gene. Functional evidence supports a deleterious effect on the gene or gene product (PMID: 30209399). This variant has been reported in individuals with Breast-ovarian cancer, familial, susceptibility to, 1 (PMID: 30209399). The variant is present at low frequency in population datasets. Based on the available data, this variant is classified as pathogenic.

Ambry Genetics
Classification: Pathogenic for Hereditary cancer-predisposing syndrome. Last evaluated: 2024-04-02. Review status: criteria provided, single submitter. Criteria: Ambry Variant Classification Scheme 2023. Collection method: clinical testing. Allele origin: germline.
Comment: The c.81-1G>C intronic pathogenic mutation results from a G to C substitution one nucleotide upstream from coding exon 2 of the BRCA1 gene. Alterations that disrupt the canonical splice site are expected to cause aberrant splicing, resulting in an abnormal protein or a transcript that is subject to nonsense-mediated mRNA decay. RNA studies have demonstrated that this alteration results in abnormal splicing in the set of samples tested (Ambry internal data, Houdayer C et al. Hum Mutat, 2012 Aug;33:1228-38). This variant was identified in 2 of 2351 breast and/or ovarian cancer patients undergoing BRCA1/2 genetic testing (Santonocito C et al. Cancers (Basel), 2020 May;12:). Additionally, One functional study found that this nucleotide substitution is non-functional in a high throughput genome editing haploid cell survival assay (Findlay GM et al. Nature, 2018 Oct;562:217-222). This variant is considered to be rare based on population cohorts in the Genome Aggregation Database (gnomAD). This nucleotide position is highly conserved in available vertebrate species. In silico splice site analysis predicts that this alteration will weaken the native splice acceptor site and may result in the creation or strengthening of a novel splice acceptor site. Based on the supporting evidence, this alteration is interpreted as a disease-causing mutation.

Baylor Genetics
Classification: Pathogenic for Breast-ovarian cancer, familial, susceptibility to, 1. Last evaluated: 2023-12-22. Review status: criteria provided, single submitter. Criteria: ACMG Guidelines, 2015. Collection method: clinical testing. Allele origin: unknown.

Labcorp Genetics (formerly Invitae), Labcorp
Classification: Pathogenic for Hereditary breast ovarian cancer syndrome. Last evaluated: 2022-05-22. Review status: criteria provided, single submitter. Criteria: Invitae Variant Classification Sherloc (09022015). Collection method: clinical testing. Allele origin: germline.
Comment: For these reasons, this variant has been classified as Pathogenic. Studies have shown that disruption of this splice site results in deletion of 7 nucleotides of exon 3 and introduces a premature termination codon (PMID: 22505045). The resulting mRNA is expected to undergo nonsense-mediated decay. Experimental studies have shown that disruption of this splice site affects BRCA1 function (PMID: 30209399). Algorithms developed to predict the effect of variants on protein structure and function are not available or were not evaluated for this variant. ClinVar contains an entry for this variant (Variation ID: 55715). Disruption of this splice site has been observed in individual(s) with high risk of breast and/or ovarian cancer (PMID: 16287141, 29446198). This variant is not present in population databases (gnomAD no frequency). This sequence change affects an acceptor splice site in intron 2 of the BRCA1 gene. RNA analysis indicates that disruption of this splice site induces altered splicing and may result in an absent or disrupted protein product.

MGZ Medical Genetics Center
Classification: Pathogenic for Breast-ovarian cancer, familial, susceptibility to, 1. Last evaluated: 2021-08-20. Review status: criteria provided, single submitter. Criteria: ACMG Guidelines, 2015. Collection method: clinical testing. Allele origin: germline. Affected: yes. Observed: 1 variant allele.
Comment: ACMG criteria applied: PVS1, PS3, PM2_SUP

Color Diagnostics, LLC DBA Color Health
Classification: Pathogenic for Hereditary cancer-predisposing syndrome. Last evaluated: 2020-08-24. Review status: criteria provided, single submitter. Criteria: ACMG Guidelines, 2015. Collection method: clinical testing. Allele origin: germline.
Comment: This variant causes a G to C nucleotide substitution at the -1 position of intron 2 splice acceptor site of the BRCA1 gene. An RT-PCR analysis of carrier-derived RNA has shown that this variant results in the deletion of 7 nucleotides from the beginning of exon 3, due to the activation of a cryptic acceptor site (PMID: 23239986) and corroborated by a minigene splicing assay (PMID: 22505045). This causes a frameshift and a premature protein truncation (r.81_87del; p.Leu28*). This variant has been reported in multiple individuals affected with breast and/or ovarian cancer (PMID: 16287141, 21918854, 23239986, 30263092, 32438681). This variant has not been identified in the general population by the Genome Aggregation Database (gnomAD). Loss of BRCA1 function is a known mechanism of disease. Based on the available evidence, this variant is classified as Pathogenic.

Consortium of Investigators of Modifiers of BRCA1/2 (CIMBA), c/o University of Cambridge
Classification: Pathogenic for Breast-ovarian cancer, familial, susceptibility to, 1. Last evaluated: 2015-10-02. Review status: criteria provided, single submitter. Criteria: CIMBA Mutation Classification guidelines May 2016. Collection method: clinical testing. Allele origin: germline.

Brotman Baty Institute, University of Washington
No classification provided (evidence only). Condition: Breast-ovarian cancer, familial 1. Review status: no classification provided. Collection method: in vitro. Allele origin: not applicable. Functional consequence: functionally_abnormal. Not counted in ClinVar's aggregate classification.
ClinVar note: "not provided" was previously submitted as the classification for the variant. However, the classification appeared to be based only on an observation of functional data so it was converted to no classification on 2025-07-30.

Literature cited by the submitters: PubMed 30209399 (cited by 3 submitters); PubMed 22505045 (cited by Ambry Genetics and Labcorp Genetics (formerly Invitae), Labcorp); PubMed 32438681 (cited by Ambry Genetics); PubMed 16287141 (cited by Labcorp Genetics (formerly Invitae), Labcorp); PubMed 29446198 (cited by Labcorp Genetics (formerly Invitae), Labcorp).

NM_007294.4(BRCA1):c.81-1G>C

Gene: BRCA1 (BRCA1 DNA repair associated; minus strand). Cytogenetic location: 17q21.31.
Variant type: single nucleotide variant.
Coding change: c.81-1G>C on transcript NM_007294.4 (MANE Select); the canonical splice acceptor site of the intron before coding-DNA position 81, G replaced by C.
Molecular consequence: splice acceptor variant. On other transcripts: intron variant (41).
Genome position (GRCh38, 1-based): chr17:43,115,780, C>G on the plus strand (G>C on the coding strand, the complement: BRCA1 is on the minus strand). VCF-style: chr17-43115780-C-G. GRCh37 (hg19) VCF-style: chr17-41267797-C-G.
Other names: IVS2-1G>C; c.-8+8237G>C (NM_001407738.1, NM_001407932.1, NM_001408464.1 and 23 more transcripts); c.-108-1G>C (NM_001407886.1, NM_001407885.1, NM_001408509.1 and 52 more transcripts); c.81-1G>C (NM_001407686.1, NM_001408397.1, NM_001407632.1 and 191 more transcripts); c.80+8237G>C (NM_001408451.1); c.-55+8237G>C (NM_001407898.1, NM_001407881.1, NM_001407902.1); c.-61-1G>C (NM_001408458.1, NM_001408470.1, NM_001407848.1 and 47 more transcripts); c.-219+9497G>C (NM_001407967.1); and 11 more.
Identifiers: ClinVar variation 55715 (VCV000055715.24), dbSNP rs80358018, ClinGen allele CA003906.